The following is an entry in ClinVar:

ClinVar aggregate classification (germline): Pathogenic (1 of 4 stars; one submission).

Submission:

Labcorp Genetics (formerly Invitae), Labcorp
Classification: Pathogenic. Last evaluated: 2024-02-13. Review status: criteria provided, single submitter. Criteria: Invitae Variant Classification Sherloc (09022015). Collection method: clinical testing. Allele origin: germline.
Comment: This sequence change creates a premature translational stop signal (p.Glu2482Asnfs*5) in the FRAS1 gene. It is expected to result in an absent or disrupted protein product. Loss-of-function variants in FRAS1 are known to be pathogenic (PMID: 12766769, 18671281). This variant is not present in population databases (gnomAD no frequency). This variant has not been reported in the literature in individuals affected with FRAS1-related conditions. For these reasons, this variant has been classified as Pathogenic.

Literature cited by the submitters: PubMed 12766769; PubMed 18671281.

NM_025074.7(FRAS1):c.7444_7448del (p.Glu2482fs)

Gene: FRAS1 (Fraser extracellular matrix complex subunit 1; plus strand). Cytogenetic location: 4q21.21.
Variant type: Deletion.
Coding change: c.7444_7448del on transcript NM_025074.7 (MANE Select); coding-DNA positions 7444 to 7448, 5 bases deleted (GAGAT; older notation c.7444_7448delGAGAT).
Protein change: p.Glu2482fs; shifts the reading frame from glutamic acid 2482.
Molecular consequence: frameshift variant.
Genome position (GRCh38, 1-based): chr4:78,472,252-78,472,256, GAGAT deleted; deleting any 5 consecutive bases within chr4:78,472,250-78,472,256 gives the same sequence; the c. name uses the placement nearest the transcript's 3' end. VCF-style (leftmost placement, unchanged base first): chr4-78472249-TATGAG-T. GRCh37 (hg19) VCF-style: chr4-79393403-TATGAG-T.
Other names: short protein forms E2482fs.
Identifiers: ClinVar variation 2801367 (VCV002801367.3), dbSNP rs760754357, ClinGen allele CA2978098.